The following is an entry in ClinVar:

ClinVar aggregate classification (germline): Pathogenic/Likely pathogenic. Review status: criteria provided, multiple submitters, no conflicts (2 of 4 stars). 13 submissions from 13 submitters: Pathogenic (11); Likely pathogenic (1). 1 of the submissions does not count toward it. Last evaluated 2025-06-17.

Conditions:
Galactosylceramide beta-galactosidase deficiency. Also called: GALACTOCEREBROSIDASE DEFICIENCY; GALC DEFICIENCY; GLOBOID CELL LEUKOENCEPHALOPATHY; Krabbe Disease; Leukodystrophy, Globoid Cell. Identifiers: Orphanet 487, MedGen C0023521, MONDO:0009499, OMIM 245200.

Allele frequency attached by ClinVar (database versions not stated): gnomAD 0.00001; TOPMed 0.00001; gnomAD exomes 0.00002; ExAC 0.00004.
gnomAD v4.1: 26 of 1,606,310 alleles (0.0016%); highest among the groups gnomAD compares: South Asian, 0.0022%; no homozygotes.

Submissions (13):

Labcorp Genetics (formerly Invitae), Labcorp
Classification: Pathogenic for Galactosylceramide beta-galactosidase deficiency. Last evaluated: 2025-06-17. Review status: criteria provided, single submitter. Criteria: Invitae Variant Classification Sherloc (09022015). Collection method: clinical testing. Allele origin: germline.
Comment: This sequence change replaces serine, which is neutral and polar, with phenylalanine, which is neutral and non-polar, at codon 303 of the GALC protein (p.Ser303Phe). This variant is present in population databases (rs756352952, gnomAD 0.004%). This missense change has been observed in individual(s) with Krabbe disease (PMID: 9338580, 11151421, 20886637, 30089515). This variant is also known as Ser287Phe. ClinVar contains an entry for this variant (Variation ID: 280957). An algorithm developed to predict the effect of missense changes on protein structure and function (PolyPhen-2) suggests that this variant is likely to be disruptive. Experimental studies have shown that this missense change affects GALC function (PMID: 10448809). For these reasons, this variant has been classified as Pathogenic.

Natera, Inc.
Classification: Pathogenic for Galactosylceramide beta-galactosidase deficiency. Last evaluated: 2025-04-24. Review status: criteria provided, single submitter. Criteria: Natera Variant Classification Schema (03/2026). Collection method: clinical testing. Allele origin: germline.
Comment: The c.908C>T variant in GALC is a missense variant predicted to cause substitution of serine to phenylalanine at amino acid 303. This variant is rare in the general population with a frequency below the threshold expected for the associated phenotype(s). This variant has been observed in one or more individuals affected with the associated recessive disease, as either homozygous or compound heterozygous with a second variant (PMID: 28598007). Computational prediction algorithms indicate this variant is likely to affect gene or protein function. Given the available evidence, this variant is classified as Pathogenic.

CeGaT Center for Human Genetics Tuebingen
Classification: Pathogenic. Last evaluated: 2024-07-01. Review status: criteria provided, single submitter. Criteria: CeGaT Center For Human Genetics Tuebingen Variant Classification Criteria Version 2. Collection method: clinical testing. Allele origin: germline. Affected: yes. Observed: 2 variant alleles.
Comment: GALC: PM3:Very Strong, PM2, PS3:Moderate, PP4

Fulgent Genetics
Classification: Likely pathogenic for Galactosylceramide beta-galactosidase deficiency. Last evaluated: 2024-04-04. Review status: criteria provided, single submitter. Criteria: ACMG Guidelines, 2015. Collection method: clinical testing. Allele origin: germline.

Genomic Medicine Center of Excellence, King Faisal Specialist Hospital and Research Centre
Classification: Pathogenic for Galactosylceramide beta-galactosidase deficiency. Last evaluated: 2024-03-29. Review status: criteria provided, single submitter. Criteria: ACMG Guidelines, 2015. Collection method: clinical testing. Allele origin: germline.

GeneDx
Classification: Pathogenic. Last evaluated: 2023-08-07. Review status: criteria provided, single submitter. Criteria: GeneDx Variant Classification Process June 2021. Collection method: clinical testing. Allele origin: germline. Affected: yes.
Comment: Expression studies on COS-1 cells showed a dramatic reduction of GALC activity of the mutated expressed protein (Jardim et al., 1999); In silico analysis supports that this missense variant has a deleterious effect on protein structure/function; Not observed at significant frequency in large population cohorts (gnomAD); This variant is associated with the following publications: (PMID: 9338580, 20886637, 28598007, 33176815, 30089515, 11151421, 10448809)

Women's Health and Genetics/Laboratory Corporation of America, LabCorp
Classification: Pathogenic for Galactosylceramide beta-galactosidase deficiency. Last evaluated: 2023-03-22. Review status: criteria provided, single submitter. Criteria: LabCorp Variant Classification Summary - May 2015. Collection method: clinical testing. Allele origin: germline.
Comment: Variant summary: GALC c.908C>T (p.Ser303Phe) results in a non-conservative amino acid change in the encoded protein sequence. Five of five in-silico tools predict a damaging effect of the variant on protein function. Two computational tools predict a significant impact on normal splicing. However, these predictions have yet to be confirmed by functional studies. The variant allele was found at a frequency of 2.4e-05 in 245686 control chromosomes (gnomAD). c.908C>T has been reported in the literature as a biallelic genotype in multiple individuals affected with Krabbe Disease, primarily with infantile onset (e.g. Wenger_1997, Selleri_2000, Tappino_2010, Zhao_2018, Krieg_2020). These data indicate that the variant is very likely to be associated with disease. Ten submitters have provided clinical-significance assessments for this variant to ClinVar after 2014 and all classified the variant as pathogenic (n=8)/likely pathogenic (n=2). Based on the evidence outlined above, the variant was classified as pathogenic.

3billion
Classification: Pathogenic for Galactosylceramide beta-galactosidase deficiency. Last evaluated: 2022-03-22. Review status: criteria provided, single submitter. Criteria: ACMG Guidelines, 2015. Collection method: clinical testing. Allele origin: germline. Affected: yes. Observed: 1 heterozygote.
Comment: Same nucleotide change resulting in same amino acid change has been previously reported as pathogenic/likely pathogenic with strong evidence (ClinVar ID: VCV000280957, PMID:9338580). Functional studies provide strong evidence of the variant having a damaging effect on the gene or gene product (PMID: 10448809). In silico tool predictions suggest damaging effect of the variant on gene or gene product (REVEL: 0.957>=0.6, 3CNET: 0.946>=0.75). The variant is observed at an extremely low frequency in the gnomAD v2.1.1 dataset (total allele frequency:0.0000284). The variant is in trans with NM_000153.4:c.136G>T variant (3billion dataset). Therefore, this variant is classified as pathogenic according to the recommendation of ACMG/AMP guideline.

Revvity Omics, Revvity
Classification: Pathogenic. Last evaluated: 2020-03-04. Review status: criteria provided, single submitter. Criteria: ACMG Guidelines, 2015. Collection method: clinical testing. Allele origin: germline.

Illumina Laboratory Services, Illumina
Classification: Pathogenic for Galactosylceramide beta-galactosidase deficiency. Last evaluated: 2018-05-03. Review status: criteria provided, single submitter. Criteria: ICSL Variant Classification Criteria 09 May 2019. Collection method: clinical testing. Allele origin: germline.
Comment: The GALC c.908C>T (p.Ser303Phe) missense variant, also referred to as p.Ser287Phe, has been reported in at least four studies in which it is found in a total of five unrelated individuals, all affected with an infantile form of galactosylceramide beta-galactosidase deficiency disease (Krabbe disease), including in one in a homozygous state and four in a compound heterozygous state (Wenger et al. 1997; Selleri et al. 2000; Tappino et al. 2010; Zhao et al. 2017). GALC activity in patient leukocytes or fibroblasts ranged from 3 - 15% compared to control levels. All of the compound heterozygotes carried missense variants on the second allele, with one found in trans with a complex allele of two missense variants. Control data are unavailable for this variant, which is reported at a frequency of 0.00006 in the European (non-Finnish) population of the Exome Aggregation Consortium. The serine residue is partially conserved. Expression of the variant in COS-1 cells revealed no GALC activity in vitro (Jardim et al. 1999). Based on the evidence, the p.Ser303Phe variant is classified as pathogenic for Krabbe disease. This variant was observed by ICSL as part of a predisposition screen in an ostensibly healthy population.

Eurofins Ntd Llc (ga)
Classification: Pathogenic. Last evaluated: 2015-09-29. Review status: criteria provided, single submitter. Criteria: EGL Classification Definitions 2015. Collection method: clinical testing. Allele origin: germline. Observed: 5 variant alleles, 3 heterozygotes, 2 homozygotes.

Neuberg Centre For Genomic Medicine, NCGM
Classification: Pathogenic for Galactosylceramide beta-galactosidase deficiency. Review status: criteria provided, single submitter. Criteria: ACMG Guidelines, 2015. Collection method: clinical testing. Allele origin: germline. Inheritance: Autosomal recessive inheritance. Affected: yes.
Comment: The missense variant c.908C>T (p.Ser303Phe) in GALC gene has been reported in heterozygous state in several individuals affected with Krabbe disease (Bascou N et al.). The S303F was also reported in a patient with infantile-onset Krabbe disease who was homozygous for S303F (Wenger et al.). Experimental studies have shown that predict the effect of sequence changes on RNA splicing suggest that this variant may disrupt the consensus splice site, but this prediction has not been confirmed by published transcriptional studies (Jardim et al.). This variant has allele frequency 0.002% in the gnomAD and novel in 1000 genome database. It has been submitted to ClinVar with varying interpretations: Pathogenic/ Likely Pathogenic. The S303F variant is a non-conservative amino acid substitution, which is likely to impact secondary protein structure as these residues differ in polarity, charge, size and/or other properties. The amino acid change p.Ser303Phe in GALC is predicted as conserved by GERP++ and PhyloP across 100 vertebrates. For these reasons, this variant has been classified as Pathogenic.

Counsyl
Classification: Likely pathogenic for Galactosylceramide beta-galactosidase deficiency. Last evaluated: 2017-03-29. Review status: no assertion criteria provided. Collection method: clinical testing. Allele origin: unknown. Not counted in ClinVar's aggregate classification.

Literature cited by the submitters: PubMed 9338580 (cited by 6 submitters); PubMed 11151421 (cited by 4 submitters); PubMed 20886637 (cited by 5 submitters); PubMed 30089515 (cited by Labcorp Genetics (formerly Invitae), Labcorp); PubMed 10448809 (cited by 5 submitters); PubMed 28598007 (cited by 3 submitters); PubMed 32912261 (cited by Women's Health and Genetics/Laboratory Corporation of America, LabCorp); PubMed 21876145 (cited by Counsyl).

NM_000153.4(GALC):c.908C>T (p.Ser303Phe)

Gene: GALC (galactosylceramidase; minus strand). Cytogenetic location: 14q31.3.
Variant type: single nucleotide variant.
Coding change: c.908C>T on transcript NM_000153.4 (MANE Select); coding-DNA position 908, C replaced by T.
Protein change: p.Ser303Phe; replaces serine 303 with phenylalanine.
Molecular consequence: missense variant.
Genome position (GRCh38, 1-based): chr14:87,968,335, G>A on the plus strand (C>T on the coding strand, the complement: GALC is on the minus strand). VCF-style: chr14-87968335-G-A. GRCh37 (hg19) VCF-style: chr14-88434679-G-A.
Other names: c.839C>T, p.Ser280Phe (NM_001201401.2); c.830C>T, p.Ser277Phe (NM_001201402.2); short protein forms S303F, S277F, S280F.
Identifiers: ClinVar variation 280957 (VCV000280957.73), dbSNP rs756352952, ClinGen allele CA7297219.